The following is an entry in ClinVar:

ClinVar aggregate classification (germline): Uncertain significance (1 of 4 stars; one submission).

Conditions:
Inborn genetic diseases. Identifiers: MedGen C0950123, MeSH D030342.

Submission:

Ambry Genetics
Classification: Uncertain significance for Inborn genetic diseases. Last evaluated: 2026-02-23. Review status: criteria provided, single submitter. Criteria: Ambry Variant Classification Scheme 2023. Collection method: clinical testing. Allele origin: germline.
Comment: The p.R651P variant (also known as c.1952G>C), located in coding exon 22 of the RTEL1 gene, results from a G to C substitution at nucleotide position 1952. The arginine at codon 651 is replaced by proline, an amino acid with dissimilar properties. This amino acid position is conserved. In addition, the in silico prediction for this alteration is inconclusive. Based on the available evidence, the clinical significance of this variant remains unclear.

NM_001283009.2(RTEL1):c.1952G>C (p.Arg651Pro)

Genes: RTEL1-TNFRSF6B (RTEL1-TNFRSF6B readthrough (NMD candidate); plus strand), RTEL1 (regulator of telomere elongation helicase 1; plus strand). Cytogenetic location: 20q13.33.
Variant type: single nucleotide variant.
Coding change: c.1952G>C on transcript NM_001283009.2 (MANE Select); coding-DNA position 1952, G replaced by C.
Protein change: p.Arg651Pro; replaces arginine 651 with proline.
Molecular consequence: missense variant. On other transcripts: non-coding transcript variant (1).
Genome position (GRCh38, 1-based): chr20:63,689,575, G>C. VCF-style: chr20-63689575-G-C. GRCh37 (hg19) VCF-style: chr20-62320928-G-C.
Other names: c.1283G>C, p.Arg428Pro (NM_001283010.1); c.1952G>C, p.Arg651Pro (NM_016434.4); c.2024G>C, p.Arg675Pro (NM_032957.5); short protein forms R651P, R428P, R675P.
Identifiers: ClinVar variation 4827699 (VCV004827699.1).